The following is an entry in ClinVar:

NM_031433.4(MFRP):c.951C>A (p.Tyr317Ter)

Genes: C1QTNF5 (C1q and TNF related 5; minus strand), MFRP (membrane frizzled-related protein; minus strand). Cytogenetic location: 11q23.3.
Variant type: single nucleotide variant.
Coding change: c.951C>A on transcript NM_031433.4 (MANE Select); coding-DNA position 951, C replaced by A.
Protein change: p.Tyr317Ter; replaces tyrosine 317 with a stop codon.
Molecular consequence: nonsense. On other transcripts: 5 prime UTR variant (1).
Genome position (GRCh38, 1-based): chr11:119,344,339, G>T on the plus strand (C>A on the coding strand, the complement: MFRP is on the minus strand). VCF-style: chr11-119344339-G-T. GRCh37 (hg19) VCF-style: chr11-119215049-G-T.
Other names: c.-1686C>A (NM_015645.5); short protein forms Y317*.
Identifiers: ClinVar variation 183043 (VCV000183043.5), dbSNP rs730882141, ClinGen allele CA017150.

ClinVar aggregate classification (germline): Pathogenic. Review status: criteria provided, single submitter (1 of 4 stars). 2 submissions from 2 submitters: Pathogenic (1). 1 of the submissions does not count toward it. Last evaluated 2024-10-03.

Conditions:
Isolated microphthalmia 5. Also called: Posterior Microphthalmia with Retinitis Pigmentosa, Foveoschisis, and Optic Disc Drusen. Identifiers: Orphanet 251279, MedGen C1970236, MONDO:0012605, OMIM 611040.

Allele frequency attached by ClinVar (database versions not stated): gnomAD exomes 0.00001 and below 0.00001.
gnomAD v4.1: 3 of 1,614,040 alleles (0.00019%); highest among the groups gnomAD compares: Admixed American, 0.0033%; no homozygotes.

Submissions (2):

Labcorp Genetics (formerly Invitae), Labcorp
Classification: Pathogenic for Isolated microphthalmia 5. Last evaluated: 2024-10-03. Review status: criteria provided, single submitter. Criteria: Invitae Variant Classification Sherloc (09022015). Collection method: clinical testing. Allele origin: germline.
Comment: This sequence change creates a premature translational stop signal (p.Tyr317*) in the MFRP gene. It is expected to result in an absent or disrupted protein product. Loss-of-function variants in MFRP are known to be pathogenic (PMID: 12140190, 15976030, 20361016). This variant is present in population databases (rs730882141, gnomAD 0.006%). This premature translational stop signal has been observed in individual(s) with clinical features of microphthalmia (PMID: 19753314, 30181649). In at least one individual the data is consistent with being in trans (on the opposite chromosome) from a pathogenic variant. It has also been observed to segregate with disease in related individuals. ClinVar contains an entry for this variant (Variation ID: 183043). Algorithms developed to predict the effect of sequence changes on RNA splicing suggest that this variant may disrupt the consensus splice site. For these reasons, this variant has been classified as Pathogenic.

OMIM
Classification: Pathogenic for MICROPHTHALMIA, ISOLATED 5. Last evaluated: 2009-09-05. Review status: no assertion criteria provided. Collection method: literature only. Allele origin: germline. Not counted in ClinVar's aggregate classification.

Literature cited by the submitters: PubMed 12140190 (cited by Labcorp Genetics (formerly Invitae), Labcorp); PubMed 15976030 (cited by Labcorp Genetics (formerly Invitae), Labcorp); PubMed 20361016 (cited by Labcorp Genetics (formerly Invitae), Labcorp); PubMed 19753314 (cited by Labcorp Genetics (formerly Invitae), Labcorp and OMIM); PubMed 30181649 (cited by Labcorp Genetics (formerly Invitae), Labcorp).